The following is an entry in ClinVar:

ClinVar aggregate classification (germline): Uncertain significance (1 of 4 stars; one submission).

gnomAD v4.1: 2 of 1,614,228 alleles (0.00012%); highest among the groups gnomAD compares: Admixed American, 0.0017%; no homozygotes.

Submission:

Labcorp Genetics (formerly Invitae), Labcorp
Classification: Uncertain significance. Last evaluated: 2025-04-11. Review status: criteria provided, single submitter. Criteria: Invitae Variant Classification Sherloc (09022015). Collection method: clinical testing. Allele origin: germline.
Comment: This sequence change replaces proline, which is neutral and non-polar, with serine, which is neutral and polar, at codon 1258 of the A2ML1 protein (p.Pro1258Ser). This variant is not present in population databases (gnomAD no frequency). This variant has not been reported in the literature in individuals affected with A2ML1-related conditions. An algorithm developed to predict the effect of missense changes on protein structure and function outputs the following: PolyPhen-2: "Benign". The serine amino acid residue is found in multiple mammalian species, which suggests that this missense change does not adversely affect protein function. In summary, the available evidence is currently insufficient to determine the role of this variant in disease. Therefore, it has been classified as a Variant of Uncertain Significance.

NM_144670.6(A2ML1):c.3772C>T (p.Pro1258Ser)

Gene: A2ML1 (alpha-2-macroglobulin like 1; plus strand). Cytogenetic location: 12p13.31.
Variant type: single nucleotide variant.
Coding change: c.3772C>T on transcript NM_144670.6 (MANE Select); coding-DNA position 3772, C replaced by T.
Protein change: p.Pro1258Ser; replaces proline 1258 with serine.
Molecular consequence: missense variant.
Genome position (GRCh38, 1-based): chr12:8,867,896, C>T. VCF-style: chr12-8867896-C-T. GRCh37 (hg19) VCF-style: chr12-9020492-C-T.
Other names: c.2299C>T, p.Pro767Ser (NM_001282424.3); short protein forms P1258S, P767S.
Identifiers: ClinVar variation 4764072 (VCV004764072.1).